The following is an entry in ClinVar:

NM_001122630.2(CDKN1C):c.*6-5C>T

Gene: CDKN1C (cyclin dependent kinase inhibitor 1C; minus strand). Cytogenetic location: 11p15.4.
Variant type: single nucleotide variant.
Coding change: c.*6-5C>T on transcript NM_001122630.2 (MANE Select); 5 bases into the intron before 6 bases downstream of the stop codon, C replaced by T.
Molecular consequence: intron variant.
Genome position (GRCh38, 1-based): chr11:2,883,920, G>A on the plus strand (C>T on the coding strand, the complement: CDKN1C is on the minus strand). VCF-style: chr11-2883920-G-A. GRCh37 (hg19) VCF-style: chr11-2905150-G-A.
Other names: c.392-10C>T (NM_001362475.2); c.*6-10C>T (NM_001122631.2, NM_001362474.2); c.*6-5C>T (NM_000076.2).
Identifiers: ClinVar variation 3052883 (VCV003052883.2), dbSNP rs1484907597, ClinGen allele CA597432812.

ClinVar aggregate classification (germline): Likely benign (0 of 4 stars; one submission).

Conditions:
CDKN1C-related disorder. Also called: CDKN1C-related condition.

Allele frequency attached by ClinVar (database versions not stated): TOPMed below 0.00001; gnomAD 0.00001.
gnomAD v4.1: 3 of 1,589,928 alleles (0.00019%); highest among the groups gnomAD compares: Non-Finnish European, 0.00026%; no homozygotes.

Submission:

PreventionGenetics, part of Exact Sciences
Classification: Likely benign for CDKN1C-related condition. Last evaluated: 2019-08-29. Review status: no assertion criteria provided. Collection method: clinical testing. Allele origin: germline.
Comment: This variant is classified as likely benign based on ACMG/AMP sequence variant interpretation guidelines (Richards et al. 2015 PMID: 25741868, with internal and published modifications).